The following is an entry in ClinVar:

ClinVar aggregate classification (germline): Likely benign. Review status: criteria provided, multiple submitters, no conflicts (2 of 4 stars). 3 submissions from 3 submitters: Likely benign (3). Last evaluated 2026-02-09.

Conditions:
KPTN-related disorder. Also called: KPTN-related condition. Identifiers: MedGen CN381532.
Macrocephaly-developmental delay syndrome (MRT41). Also called: INTELLECTUAL DEVELOPMENTAL DISORDER, AUTOSOMAL RECESSIVE 41. Identifiers: Orphanet 397612, MedGen C3810225, MONDO:0014289, OMIM 615637.

Allele frequency attached by ClinVar (database versions not stated): gnomAD below 0.00001 and 0.00002; TOPMed 0.00001; gnomAD exomes 0.00004 and 0.00008; ExAC 0.00011.
gnomAD v4.1: 53 of 1,613,258 alleles (0.0033%); highest among the groups gnomAD compares: South Asian, 0.056%; no homozygotes.

Submissions (3):

PreventionGenetics, part of Exact Sciences
Classification: Likely benign for KPTN-related condition. Last evaluated: 2026-02-09. Review status: criteria provided, single submitter. Criteria: ACMG Guidelines, 2015. Collection method: clinical testing. Allele origin: germline.
Comment: This variant is classified as likely benign based on ACMG/AMP sequence variant interpretation guidelines (Richards et al. 2015 PMID: 25741868, with internal and published modifications).

Labcorp Genetics (formerly Invitae), Labcorp
Classification: Likely benign for Macrocephaly-developmental delay syndrome. Last evaluated: 2021-04-30. Review status: criteria provided, single submitter. Criteria: Invitae Variant Classification Sherloc (09022015). Collection method: clinical testing. Allele origin: germline.

Genetic Services Laboratory, University of Chicago
Classification: Likely benign. Last evaluated: 2017-05-26. Review status: criteria provided, single submitter. Criteria: ACMG Guidelines, 2015. Collection method: clinical testing. Allele origin: germline. Affected: no.

NM_007059.4(KPTN):c.777G>A (p.Ser259=)

Gene: KPTN (kaptin, actin binding protein; minus strand). Cytogenetic location: 19q13.32.
Variant type: single nucleotide variant.
Coding change: c.777G>A on transcript NM_007059.4 (MANE Select); coding-DNA position 777, G replaced by A.
Protein change: p.Ser259=; no amino-acid change (serine 259 retained).
Molecular consequence: synonymous variant. On other transcripts: non-coding transcript variant (1).
Genome position (GRCh38, 1-based): chr19:47,479,873, C>T on the plus strand (G>A on the coding strand, the complement: KPTN is on the minus strand). VCF-style: chr19-47479873-C-T. GRCh37 (hg19) VCF-style: chr19-47983130-C-T.
Other names: c.609G>A, p.Ser203= (NM_001291296.2); c.777G>A (NM_007059.3).
Identifiers: ClinVar variation 435681 (VCV000435681.11), dbSNP rs758438766, ClinGen allele CA9540324.